The following is an entry in ClinVar:

NM_000179.3(MSH6):c.3683dup (p.Asn1229fs)

Gene: MSH6 (mutS homolog 6; plus strand). Cytogenetic location: 2p16.3.
Variant type: Duplication.
Coding change: c.3683dup on transcript NM_000179.3 (MANE Select); coding-DNA position 3683, one base duplicated (C; older notation c.3683dupC).
Protein change: p.Asn1229fs; shifts the reading frame from asparagine 1229.
Molecular consequence: frameshift variant.
Genome position (GRCh38, 1-based): chr2:47,806,240, C duplicated. VCF-style (leftmost placement, unchanged base first): chr2-47806239-G-GC. GRCh37 (hg19) VCF-style: chr2-48033378-G-GC.
Other names: c.3293dup, p.Asn1099fs (NM_001281492.2); c.2777dup, p.Asn927fs (NM_001281493.2, NM_001281494.2); c.3779dup, p.Asn1261Lysfs (NM_001406795.1, NM_001406802.1); c.3683dup, p.Asn1229Lysfs (NM_001406796.1, NM_001406800.1, NM_001406808.1 and 1 more transcripts); c.3386dup, p.Asn1130Lysfs (NM_001406797.1, NM_001406801.1, NM_001406805.1 and 10 more transcripts); c.3509dup, p.Asn1171Lysfs (NM_001406798.1); c.3158dup, p.Asn1054Lysfs (NM_001406799.1, NM_001406806.1, NM_001406807.1); c.2819dup, p.Asn941Lysfs (NM_001406803.1); and 9 more; short protein forms N1099fs, N927fs, N1229fs.
Identifiers: ClinVar variation 1733902 (VCV001733902.3), dbSNP rs2530839282, ClinGen allele CA2580067280.

ClinVar aggregate classification (germline): Pathogenic. Review status: criteria provided, multiple submitters, no conflicts (2 of 4 stars). 2 submissions from 2 submitters: Pathogenic (2). Last evaluated 2024-03-15.

Conditions:
Hereditary cancer-predisposing syndrome. Also called: Neoplastic Syndromes, Hereditary; Tumor predisposition; Hereditary Cancer Syndrome; Hereditary neoplastic syndrome. Identifiers: Orphanet 140162, MedGen C0027672, MeSH D009386, MONDO:0015356.
Lynch syndrome 5 (LYNCH5). Also called: Colorectal cancer, hereditary nonpolyposis, type 5; Hereditary non-polyposis colorectal cancer, type 5. Identifiers: Orphanet 144, MedGen C1833477, MONDO:0013710, OMIM 614350. Disease mechanism: loss of function.

Submissions (2):

Ambry Genetics
Classification: Pathogenic for Hereditary cancer-predisposing syndrome. Last evaluated: 2024-03-15. Review status: criteria provided, single submitter. Criteria: Ambry Variant Classification Scheme 2023. Collection method: clinical testing. Allele origin: germline.
Comment: The c.3683dupC pathogenic mutation, located in coding exon 8 of the MSH6 gene, results from a duplication of C at nucleotide position 3683, causing a translational frameshift with a predicted alternate stop codon (p.N1229Kfs*5). This variant is considered to be rare based on population cohorts in the Genome Aggregation Database (gnomAD). This alteration is expected to result in loss of function by premature protein truncation or nonsense-mediated mRNA decay. As such, this alteration is interpreted as a disease-causing mutation.

Myriad Genetics, Inc.
Classification: Pathogenic for Lynch syndrome 5. Last evaluated: 2023-08-24. Review status: criteria provided, single submitter. Criteria: Myriad Autosomal Dominant, Autosomal Recessive and X-Linked Classification Criteria (2023). Collection method: clinical testing. Allele origin: unknown.
Comment: This variant is considered pathogenic. This variant creates a frameshift predicted to result in premature protein truncation.